The following is an entry in ClinVar:

NM_000719.7(CACNA1C):c.5714A>G (p.Lys1905Arg)

Genes: CACNA1C (calcium voltage-gated channel subunit alpha1 C; plus strand), CACNA1C-AS1 (CACNA1C antisense RNA 1; minus strand). Cytogenetic location: 12p13.33.
Variant type: single nucleotide variant.
Coding change: c.5714A>G on transcript NM_000719.7 (MANE Select); coding-DNA position 5714, A replaced by G.
Protein change: p.Lys1905Arg; replaces lysine 1905 with arginine.
Molecular consequence: missense variant.
Genome position (GRCh38, 1-based): chr12:2,686,199, A>G. VCF-style: chr12-2686199-A-G. GRCh37 (hg19) VCF-style: chr12-2795365-A-G.
Other names: c.5858A>G, p.Lys1953Arg (NM_001129827.2); c.5837A>G, p.Lys1946Arg (NM_001129829.2); c.5819A>G, p.Lys1940Arg (NM_001129830.3, NM_001167624.3); c.5798A>G, p.Lys1933Arg (NM_001129831.2); c.5774A>G, p.Lys1925Arg (NM_001129832.2); c.5771A>G, p.Lys1924Arg (NM_001129833.2, NM_001129834.2, NM_001129835.2); c.5765A>G, p.Lys1922Arg (NM_001129836.2); c.5738A>G, p.Lys1913Arg (NM_001129837.2, NM_001129838.2); and 6 more; short protein forms K1913R, K1922R, K1946R, K1953R, K1924R, K1894R, K1902R, K1911R.
Identifiers: ClinVar variation 957215 (VCV000957215.10), dbSNP rs375147582, ClinGen allele CA6389953.
Genomic context (GRCh38, chr12:2,686,199, plus strand): 5'-ATGGTGGCTCTCTGGCTGGCTTTGCAGGTCGAAGGGCCTCCTTCCACCTGGAATGTCTGA[A>G]GCGACAGAAGGACCGAGGGGGAGACATCTCTCAGAAGACAGTCCTGCCCTTGCATCTGGT-3'
Protein context (NP_000710.5, residues 1895-1915): RRASFHLECL[Lys1905Arg]RQKDRGGDIS

ClinVar aggregate classification (germline): Uncertain significance (1 of 4 stars; one submission).

Conditions:
Long QT syndrome (LQTS). Identifiers: MedGen C0023976, MeSH D008133, MONDO:0002442. Disease mechanism: loss of function. Inheritance: Various modes of inheritance.

Allele frequency attached by ClinVar (database versions not stated): TOPMed below 0.00001; ExAC 0.00001; gnomAD 0.00001; ESP Exome Variant Server 0.00008.
gnomAD v4.1: 1 of 1,613,770 alleles (0.000062%); highest among the groups gnomAD compares: Non-Finnish European, 0.000085%; no homozygotes.

Submission:

Labcorp Genetics (formerly Invitae), Labcorp
Classification: Uncertain significance for Long QT syndrome. Last evaluated: 2019-10-03. Review status: criteria provided, single submitter. Criteria: Invitae Variant Classification Sherloc (09022015). Collection method: clinical testing. Allele origin: germline.
Comment: This sequence change replaces lysine with arginine at codon 1905 of the CACNA1C protein (p.Lys1905Arg). The lysine residue is weakly conserved and there is a small physicochemical difference between lysine and arginine. This variant is present in population databases (rs375147582, ExAC 0.001%). This variant has not been reported in the literature in individuals with CACNA1C-related conditions. Algorithms developed to predict the effect of missense changes on protein structure and function (SIFT, PolyPhen-2, Align-GVGD) all suggest that this variant is likely to be tolerated, but these predictions have not been confirmed by published functional studies and their clinical significance is uncertain. In summary, the available evidence is currently insufficient to determine the role of this variant in disease. Therefore, it has been classified as a Variant of Uncertain Significance.